The following is an entry in ClinVar:

ClinVar aggregate classification (germline): Likely benign. Review status: criteria provided, single submitter (1 of 4 stars). 2 submissions from 2 submitters: Likely benign (1). 1 of the submissions does not count toward it. Last evaluated 2025-10-29.

Conditions:
SERPINF1-related disorder. Also called: SERPINF1-related condition.

gnomAD v4.1: 78 of 1,611,274 alleles (0.0048%); highest among the groups gnomAD compares: Non-Finnish European, 0.0064%; no homozygotes.

Submissions (2):

Labcorp Genetics (formerly Invitae), Labcorp
Classification: Likely benign. Last evaluated: 2025-10-29. Review status: criteria provided, single submitter. Criteria: Invitae Variant Classification Sherloc (09022015). Collection method: clinical testing. Allele origin: germline.

PreventionGenetics, part of Exact Sciences
Classification: Likely benign for SERPINF1-related condition. Last evaluated: 2024-08-26. Review status: no assertion criteria provided. Collection method: clinical testing. Allele origin: germline. Not counted in ClinVar's aggregate classification.
Comment: This variant is classified as likely benign based on ACMG/AMP sequence variant interpretation guidelines (Richards et al. 2015 PMID: 25741868, with internal and published modifications).

NM_002615.7(SERPINF1):c.643+8C>A

Gene: SERPINF1 (serpin family F member 1; plus strand). Cytogenetic location: 17p13.3.
Variant type: single nucleotide variant.
Coding change: c.643+8C>A on transcript NM_002615.7 (MANE Select); 8 bases into the intron after coding-DNA position 643, C replaced by A.
Molecular consequence: intron variant.
Genome position (GRCh38, 1-based): chr17:1,772,083, C>A. VCF-style: chr17-1772083-C-A. GRCh37 (hg19) VCF-style: chr17-1675377-C-A.
Other names: c.82+8C>A (NM_001329904.2, NM_001329905.2); c.643+8C>A (NM_001329903.2).
Identifiers: ClinVar variation 3046685 (VCV003046685.4), dbSNP rs149399910, ClinGen allele CA8274763.